The following is an entry in ClinVar:

NM_001286555.3(DUSP22):c.315C>T (p.Thr105=)

Gene: DUSP22 (dual specificity phosphatase 22; plus strand). Cytogenetic location: 6p25.3.
Variant type: single nucleotide variant.
Coding change: c.315C>T on transcript NM_001286555.3 (MANE Select); coding-DNA position 315, C replaced by T.
Protein change: p.Thr105=; no amino-acid change (threonine 105 retained).
Molecular consequence: synonymous variant. On other transcripts: non-coding transcript variant (3).
Genome position (GRCh38, 1-based): chr6:348,154, C>T. VCF-style: chr6-348154-C-T. GRCh37 (hg19) VCF-style: chr6-348154-C-T.
Other names: c.315C>T, p.Thr105= (NM_020185.6).
Identifiers: ClinVar variation 3039993 (VCV003039993.2), dbSNP rs200444409, ClinGen allele CA3612364.

ClinVar aggregate classification (germline): Likely benign (0 of 4 stars; one submission).

Conditions:
DUSP22-related disorder. Also called: DUSP22-related condition.

Allele frequency attached by ClinVar (database versions not stated): gnomAD 0.00023; ESP Exome Variant Server 0.00031; ExAC 0.00040; 1000 Genomes Project 30x 0.00094; 1000 Genomes Project 0.00120.

Submission:

PreventionGenetics, part of Exact Sciences
Classification: Likely benign for DUSP22-related condition. Last evaluated: 2019-10-10. Review status: no assertion criteria provided. Collection method: clinical testing. Allele origin: germline.
Comment: This variant is classified as likely benign based on ACMG/AMP sequence variant interpretation guidelines (Richards et al. 2015 PMID: 25741868, with internal and published modifications).